The following is an entry in ClinVar:

NM_000051.4(ATM):c.3019G>C (p.Asp1007His)

Gene: ATM (ATM serine/threonine kinase; plus strand). Cytogenetic location: 11q22.3.
Variant type: single nucleotide variant.
Coding change: c.3019G>C on transcript NM_000051.4 (MANE Select); coding-DNA position 3019, G replaced by C.
Protein change: p.Asp1007His; replaces aspartic acid 1007 with histidine.
Molecular consequence: missense variant.
Genome position (GRCh38, 1-based): chr11:108,271,348, G>C. VCF-style: chr11-108271348-G-C. GRCh37 (hg19) VCF-style: chr11-108142075-G-C.
Other names: c.3019G>C, p.Asp1007His (NM_001351834.2); short protein forms D1007H.
Identifiers: ClinVar variation 3654466 (VCV003654466.2).

ClinVar aggregate classification (germline): Uncertain significance (1 of 4 stars; one submission).

Conditions:
Ataxia-telangiectasia syndrome (AT). Also called: LOUIS-BAR SYNDROME; Cerebello-oculocutaneous telangiectasia; Immunodeficiency with ataxia telangiectasia; ATAXIA-TELANGIECTASIA, COMPLEMENTATION GROUP A; ATAXIA-TELANGIECTASIA, FRESNO VARIANT; Ataxia-telangiectasia, complementation group D. Identifiers: Orphanet 100, MedGen C0004135, MONDO:0008840, OMIM 208900.

Submission:

Labcorp Genetics (formerly Invitae), Labcorp
Classification: Uncertain significance for Ataxia-telangiectasia syndrome. Last evaluated: 2024-11-06. Review status: criteria provided, single submitter. Criteria: Invitae Variant Classification Sherloc (09022015). Collection method: clinical testing. Allele origin: germline.
Comment: This sequence change replaces aspartic acid, which is acidic and polar, with histidine, which is basic and polar, at codon 1007 of the ATM protein (p.Asp1007His). This variant is not present in population databases (gnomAD no frequency). This variant has not been reported in the literature in individuals affected with ATM-related conditions. Invitae Evidence Modeling of protein sequence and biophysical properties (such as structural, functional, and spatial information, amino acid conservation, physicochemical variation, residue mobility, and thermodynamic stability) indicates that this missense variant is not expected to disrupt ATM protein function with a negative predictive value of 95%. In summary, the available evidence is currently insufficient to determine the role of this variant in disease. Therefore, it has been classified as a Variant of Uncertain Significance.